The following is an entry in ClinVar:

NM_020975.6(RET):c.844G>T (p.Val282Leu)

Gene: RET (ret proto-oncogene; plus strand). Cytogenetic location: 10q11.21.
Variant type: single nucleotide variant.
Coding change: c.844G>T on transcript NM_020975.6 (MANE Select); coding-DNA position 844, G replaced by T.
Protein change: p.Val282Leu; replaces valine 282 with leucine.
Molecular consequence: missense variant. On other transcripts: intron variant (22).
Genome position (GRCh38, 1-based): chr10:43,105,170, G>T. VCF-style: chr10-43105170-G-T. GRCh37 (hg19) VCF-style: chr10-43600618-G-T.
Other names: c.844G>T, p.Val282Leu (NM_000323.2, NM_001406743.1, NM_001406744.1 and 8 more transcripts); c.82G>T, p.Val28Leu (NM_001355216.2); c.715G>T, p.Val239Leu (NM_001406761.1, NM_001406762.1, NM_001406764.1 and 2 more transcripts); c.556G>T, p.Val186Leu (NM_001406766.1, NM_001406767.1, NM_001406770.1); c.625+2541G>T (NM_001406773.1, NM_001406771.1, NM_001406782.1 and 5 more transcripts); c.496+2541G>T (NM_001406786.1, NM_001406783.1); c.338-3861G>T (NM_001406778.1, NM_001406775.1, NM_001406776.1 and 1 more transcripts); c.337+4448G>T (NM_001406790.1, NM_001406788.1, NM_001406789.1 and 1 more transcripts); and 2 more; short protein forms V239L, V28L, V186L, V282L.
Identifiers: ClinVar variation 2735388 (VCV002735388.3), dbSNP rs1588866293, ClinGen allele CA376545320.

ClinVar aggregate classification (germline): Uncertain significance (1 of 4 stars; one submission).

Conditions:
Multiple endocrine neoplasia, type 2 (MEN2). Identifiers: Orphanet 653, MedGen C4048306, MONDO:0019003. Disease mechanism: gain of function.

Submission:

Labcorp Genetics (formerly Invitae), Labcorp
Classification: Uncertain significance for Multiple endocrine neoplasia, type 2. Last evaluated: 2024-07-30. Review status: criteria provided, single submitter. Criteria: Invitae Variant Classification Sherloc (09022015). Collection method: clinical testing. Allele origin: germline.
Comment: This sequence change replaces valine, which is neutral and non-polar, with leucine, which is neutral and non-polar, at codon 282 of the RET protein (p.Val282Leu). This variant is not present in population databases (gnomAD no frequency). This missense change has been observed in individual(s) with Hirschprung disease (PMID: 17108762). An algorithm developed to predict the effect of missense changes on protein structure and function outputs the following: PolyPhen-2: "Benign". The leucine amino acid residue is found in multiple mammalian species, which suggests that this missense change does not adversely affect protein function. In summary, the available evidence is currently insufficient to determine the role of this variant in disease. Therefore, it has been classified as a Variant of Uncertain Significance.

Literature cited by the submitters: PubMed 17108762.